The following is an entry in ClinVar:

NM_001846.4(COL4A2):c.3236G>A (p.Gly1079Asp)

Gene: COL4A2 (collagen type IV alpha 2 chain; plus strand). Cytogenetic location: 13q34.
Variant type: single nucleotide variant.
Coding change: c.3236G>A on transcript NM_001846.4 (MANE Select); coding-DNA position 3236, G replaced by A.
Protein change: p.Gly1079Asp; replaces glycine 1079 with aspartic acid.
Molecular consequence: missense variant.
Genome position (GRCh38, 1-based): chr13:110,489,473, G>A. VCF-style: chr13-110489473-G-A. GRCh37 (hg19) VCF-style: chr13-111141820-G-A.
Other names: short protein forms G1079D.
Identifiers: ClinVar variation 4854271 (VCV004854271.1).

ClinVar aggregate classification (germline): Uncertain significance (1 of 4 stars; one submission).

Conditions:
Brain small vessel disease 2A, autosomal dominant. Also called: Porencephaly 2. Identifiers: Orphanet 2940, Orphanet 99810, MedGen C3280970, MONDO:0013773, OMIM 614483.

Submission:

3billion
Classification: Uncertain significance for Brain small vessel disease 2A, autosomal dominant. Last evaluated: 2026-01-22. Review status: criteria provided, single submitter. Criteria: ACMG Guidelines, 2015. Collection method: clinical testing. Allele origin: germline. Affected: yes.
Comment: The variant is not observed in the gnomAD v4.1.0 dataset. Predicted Consequence/Location: Missense variant In silico tool predictions suggest damaging effect of the variant on gene or gene product [REVEL: 0.95 (>=0.6, sensitivity 0.68 and specificity 0.92)]. Therefore, this variant is classified as VUS according to the recommendation of ACMG/AMP guideline.